The following is an entry in ClinVar:

ClinVar aggregate classification (germline): Uncertain significance (1 of 4 stars; one submission).

Conditions:
Hereditary pancreatitis (PCTT). Also called: Hereditary chronic pancreatitis; PRSS1-Related Hereditary Pancreatitis. Identifiers: Orphanet 676, MedGen C0238339, MONDO:0008185, OMIM 167800.

Submission:

Ambry Genetics
Classification: Uncertain significance for Hereditary pancreatitis. Last evaluated: 2024-08-02. Review status: criteria provided, single submitter. Criteria: Ambry Variant Classification Scheme 2023. Collection method: clinical testing. Allele origin: germline.
Comment: The p.F377S variant (also known as c.1130T>C), located in coding exon 10 of the CPA1 gene, results from a T to C substitution at nucleotide position 1130. The phenylalanine at codon 377 is replaced by serine, an amino acid with highly dissimilar properties. This amino acid position is conserved. In addition, the in silico prediction for this alteration is inconclusive. Based on the available evidence, the clinical significance of this variant remains unclear.

NM_001868.4(CPA1):c.1130T>C (p.Phe377Ser)

Gene: CPA1 (carboxypeptidase A1; plus strand). Cytogenetic location: 7q32.2.
Variant type: single nucleotide variant.
Coding change: c.1130T>C on transcript NM_001868.4 (MANE Select); coding-DNA position 1130, T replaced by C.
Protein change: p.Phe377Ser; replaces phenylalanine 377 with serine.
Molecular consequence: missense variant.
Genome position (GRCh38, 1-based): chr7:130,387,881, T>C. VCF-style: chr7-130387881-T-C. GRCh37 (hg19) VCF-style: chr7-130027722-T-C.
Other names: short protein forms F377S.
Identifiers: ClinVar variation 3496186 (VCV003496186.1).